The following is an entry in ClinVar:

NR_003051.3(RMRP):n.-15_-6dup

Gene: RMRP (RNA component of mitochondrial RNA processing endoribonuclease; minus strand). Cytogenetic location: 9p13.3.
Variant type: Duplication.
Genome position: GRCh38 VCF-style: chr9-35658023-C-CCTCAGCTTCA. GRCh37 (hg19) VCF-style: chr9-35658020-C-CCTCAGCTTCA.
Identifiers: ClinVar variation 929120 (VCV000929120.9), dbSNP rs1554651447, ClinGen allele CA863578723.

ClinVar aggregate classification (germline): Pathogenic/Likely pathogenic. Review status: criteria provided, multiple submitters, no conflicts (2 of 4 stars). 3 submissions from 3 submitters: Pathogenic (1); Likely pathogenic (2). Last evaluated 2025-07-29.

Conditions:
Anauxetic dysplasia. Identifiers: Orphanet 93347, MedGen C1846796, MONDO:0011773.
Metaphyseal chondrodysplasia, McKusick type (CHH). Also called: Cartilage-hair hypoplasia; Cartilage-Hair Hypoplasia (CHH). Identifiers: Orphanet 175, MedGen C0220748, MONDO:0009595, OMIM 250250.

Submissions (3):

Natera, Inc.
Classification: Likely pathogenic for Cartilage-hair hypoplasia. Last evaluated: 2025-07-29. Review status: criteria provided, single submitter. Criteria: Natera Variant Classification Schema (03/2026). Collection method: clinical testing. Allele origin: germline.
Comment: The n.-15_-6dupTGAAGCTGAG variant in RMRP is a duplication affecting the RMRP promoter region between the TATA box and the transcription initiation site. Other duplications and insertions just upstream of the transcription initiation site have been reported in individuals affected with cartilage-hair hypoplasia (PMID: 11207361, 17937437). This variant is rare in the general population with a frequency below the threshold expected for the associated phenotype(s). This variant has been observed in one or more individuals affected with the associated recessive disease, as either homozygous or compound heterozygous with a second variant (PMID: 12107819). Given the available evidence, this variant is classified as Likely pathogenic.

Labcorp Genetics (formerly Invitae), Labcorp
Classification: Pathogenic for Anauxetic dysplasia. Last evaluated: 2023-06-03. Review status: criteria provided, single submitter. Criteria: Invitae Variant Classification Sherloc (09022015). Collection method: clinical testing. Allele origin: germline.
Comment: For these reasons, this variant has been classified as Pathogenic. While functional studies for this variant have not been reported, experimental analyses using patient derived cells, as well as in vitro transfection studies, have shown that promoter insertions result in silencing of RMRP transcription and reduced expression of the gene product (PMID: 11207361, 16254002). ClinVar contains an entry for this variant (Variation ID: 929120). While this particular variant has not been reported in the literature, it is located in the promoter region between the TATA box and the transcription initiation site, and other insertions and duplications immediately upstream of the coding sequence have been reported in individuals affected with cartilage-hair hypoplasia-anauxetic dysplasia (CHH-AD) spectrum disorders (PMID: 16244706, 11207361, 12107819). This variant is not present in population databases (gnomAD no frequency). This variant occurs in the RMRP gene, which encodes an RNA molecule that does not result in a protein product.

Women's Health and Genetics/Laboratory Corporation of America, LabCorp
Classification: Likely pathogenic for Metaphyseal chondrodysplasia, McKusick type. Last evaluated: 2019-05-20. Review status: criteria provided, single submitter. Criteria: LabCorp Variant Classification Summary - May 2015. Collection method: clinical testing. Allele origin: germline.
Comment: Variant summary: The variant, RMRP n.-15_-6dup10 (n.-16_-7dup10) involves duplication of 10 nucleotides in the promoter region of RMRP, which is located between the TATA box (-33 to -25) and the transcription initiation site. Multiple duplication variants in this promoter region have been reported pathogenic (internally and in HGMD). The variant was absent in 127922 control chromosomes (gnomAD). The available data on variant occurrences in the general population are insufficient to allow any conclusion about variant significance. n.-15_-6dup10 has been reported in the literature in individuals affected with Cartilage-Hair Hypoplasia (Ridanpaa_2002). These data do not allow any conclusion about variant significance. To our knowledge, no experimental evidence demonstrating an impact on protein function has been reported. No clinical diagnostic laboratories have submitted clinical-significance assessments for this variant to ClinVar after 2014. Based on the evidence outlined above, the variant was classified as likely pathogenic.

Literature cited by the submitters: PubMed 11207361 (cited by Natera, Inc. and Labcorp Genetics (formerly Invitae), Labcorp); PubMed 17937437 (cited by Natera, Inc.); PubMed 12107819 (cited by 3 submitters); PubMed 16254002 (cited by Labcorp Genetics (formerly Invitae), Labcorp); PubMed 16244706 (cited by Labcorp Genetics (formerly Invitae), Labcorp).